The following is an entry in ClinVar:

NM_001164508.2(NEB):c.820A>G (p.Lys274Glu)

Gene: NEB (nebulin; minus strand). Cytogenetic location: 2q23.3.
Variant type: single nucleotide variant.
Coding change: c.820A>G on transcript NM_001164508.2 (MANE Select); coding-DNA position 820, A replaced by G.
Protein change: p.Lys274Glu; replaces lysine 274 with glutamic acid.
Molecular consequence: missense variant.
Genome position (GRCh38, 1-based): chr2:151,717,418, T>C on the plus strand (A>G on the coding strand, the complement: NEB is on the minus strand). VCF-style: chr2-151717418-T-C. GRCh37 (hg19) VCF-style: chr2-152573932-T-C.
Other names: c.820A>G, p.Lys274Glu (NM_001164507.2, NM_001271208.2, NM_004543.5); short protein forms K274E.
Identifiers: ClinVar variation 2759618 (VCV002759618.3), dbSNP rs2552278449, ClinGen allele CA348788602.

ClinVar aggregate classification (germline): Uncertain significance (1 of 4 stars; one submission).

Conditions:
Nemaline myopathy 2 (NEM2). Also called: Nemaline myopathy 2, autosomal recessive. Identifiers: MedGen C1850569, MONDO:0009725, OMIM 256030.

Submission:

Labcorp Genetics (formerly Invitae), Labcorp
Classification: Uncertain significance for Nemaline myopathy 2. Last evaluated: 2023-09-11. Review status: criteria provided, single submitter. Criteria: Invitae Variant Classification Sherloc (09022015). Collection method: clinical testing. Allele origin: germline.
Comment: This sequence change replaces lysine, which is basic and polar, with glutamic acid, which is acidic and polar, at codon 274 of the NEB protein (p.Lys274Glu). This variant is not present in population databases (gnomAD no frequency). This variant has not been reported in the literature in individuals affected with NEB-related conditions. Experimental studies and prediction algorithms are not available or were not evaluated, and the functional significance of this variant is currently unknown. In summary, the available evidence is currently insufficient to determine the role of this variant in disease. Therefore, it has been classified as a Variant of Uncertain Significance.